The following is an entry in ClinVar:

ClinVar aggregate classification (germline): Benign. Review status: reviewed by expert panel (3 of 4 stars). 10 submissions from 10 submitters: Benign (1). 9 of the submissions do not count toward it. Last evaluated 2024-12-03.

Conditions:
RAF1-related disorder. Also called: RAF1-related condition; RAF1-related disorders.
Noonan syndrome and Noonan-related syndrome. Identifiers: Orphanet 98733, MedGen C5681679, MONDO:0020297.
RASopathy. Also called: Noonan spectrum disorder; rasopathies. Identifiers: Orphanet 536391, MedGen C5555857, MONDO:0021060.
Noonan syndrome (NS). Also called: Noonan's syndrome. Identifiers: Orphanet 648, MedGen C0028326, MeSH D009634, MONDO:0018997. Disease mechanism: gain of function.

Submissions (10):

ClinGen RASopathy Variant Curation Expert Panel
Classification: Benign for RASopathy. Last evaluated: 2024-12-03. Review status: reviewed by expert panel. Criteria: ClinGen RASopathy ACMG Specifications RAF1 V2.3.0. Collection method: curation. Allele origin: germline. Inheritance: Autosomal dominant inheritance.
Comment: The c.1108+9_1108+21del variant is located in intron 10 of the RAF1 gene. This variant has a filtering allele frequency of 0.05951% in the European (non-Finnish) population in gnomAD v2, which is higher than the ClinGen RASopathy VCEP threshold (>0.0005) for BA1 and therefore meets this criterion (BA1). The variant is a synonymous (silent) variant at a nucleotide that is not highly conserved and is not predicted to impact splicing (BP7). Additionally, this variant has been identified in a patient with an alternate molecular basis for disease (BP5; GeneDx, Partners LMM internal data; GTR Lab ID's: 26957, 21766; ClinVar SCV000205113.4, SCV000209007.2). In summary, this variant meets criteria to be classified as benign for autosomal dominant RASopathies based on the ACMG/AMP criteria applied, as specified by the ClinGen RASopathy Variant Curation Expert Panel: BA1, BP5, BP7. (Specification Version 2.3, 12/3/2024)

Labcorp Genetics (formerly Invitae), Labcorp
Classification: Likely benign for RASopathy. Last evaluated: 2026-02-03. Review status: criteria provided, single submitter. Criteria: Invitae Variant Classification Sherloc (09022015). Collection method: clinical testing. Allele origin: germline. Not counted in ClinVar's aggregate classification.

Molecular Diagnostic Laboratory for Inherited Cardiovascular Disease, Montreal Heart Institute
Classification: Likely benign. Last evaluated: 2025-07-24. Review status: criteria provided, single submitter. Criteria: ACMG Guidelines, 2015. Collection method: clinical testing. Allele origin: germline. Affected: no. Not counted in ClinVar's aggregate classification.

Blueprint Genetics
Classification: Likely benign. Last evaluated: 2024-10-24. Review status: criteria provided, single submitter. Criteria: ACMG Guidelines, 2015. Collection method: clinical testing. Allele origin: germline. Not counted in ClinVar's aggregate classification.

Women's Health and Genetics/Laboratory Corporation of America, LabCorp
Classification: Benign. Last evaluated: 2021-08-05. Review status: criteria provided, single submitter. Criteria: LabCorp Variant Classification Summary - May 2015. Collection method: clinical testing. Allele origin: germline. Not counted in ClinVar's aggregate classification.
Comment: Variant summary: RAF1 c.1108+9_1108+21del13 alters a nucleotide located close to a canonical splice site and therefore could affect mRNA splicing, leading to a significantly altered protein sequence. 4/4 computational tools predict no significant impact on normal splicing. However, these predictions have yet to be confirmed by functional studies. The variant allele was found at a frequency of 0.00036 in 251410 control chromosomes, predominantly at a frequency of 0.00072 within the Non-Finnish European subpopulation in the gnomAD database. The observed variant frequency within Non-Finnish European control individuals in the gnomAD database is approximately 28.8 fold of the estimated maximal expected allele frequency for a pathogenic variant in RAF1 causing Noonan Syndrome And Related Conditions phenotype (2.5e-05), strongly suggesting that the variant is a benign polymorphism found primarily in populations of Non-Finnish European origin. Four clinical diagnostic laboratories have submitted clinical-significance assessments for this variant to ClinVar after 2014 without evidence for independent evaluation. All laboratories classified the variant as benign/likely benign, including a benign classification by ClinGen RASopathy Variant Curation Expert Panel. Based on the evidence outlined above, the variant was classified as benign.

St. Jude Molecular Pathology, St. Jude Children's Research Hospital
Classification: Benign for Noonan syndrome. Last evaluated: 2020-09-22. Review status: criteria provided, single submitter. Criteria: St. Jude Assertion Criteria 2020. Collection method: clinical testing. Allele origin: germline. Not counted in ClinVar's aggregate classification.
Comment: The c.1168+9_1168+21del splice region variant has a frequency of 0.0003465 (98 of 282,788 alleles) in gnomAD v2.1.1 with a maximum allele frequency of 0.0006814 (88 of 129,138) in the European non-Finnish population. This is a high enough frequency to be classified as benign based on thresholds defined by the ClinGen RASopathy Expert Panel for autosomal dominant RASopathy variants (BA1). This variant is not predicted to impact splicing (BP7). This variant has been classified as benign by the ClinGen RASopathy Variant Curation Expert Panel with additional unpublished patient data (SCV000616427.3). In summary, this variant meets criteria to be classified as benign based on the ACMG/AMP criteria, as specified by the ClinGen RASopathy Variant Curation Expert Panel (PMID:29493581): BA1, BP7.

Genome Diagnostics Laboratory, The Hospital for Sick Children
Classification: Uncertain significance for Noonan syndrome and Noonan-related syndrome. Last evaluated: 2018-05-01. Review status: criteria provided, single submitter. Criteria: ACMG Guidelines, 2015. Collection method: clinical testing. Allele origin: germline. Not counted in ClinVar's aggregate classification.

Laboratory for Molecular Medicine, Mass General Brigham Personalized Medicine
Classification: Likely benign. Last evaluated: 2015-03-31. Review status: criteria provided, single submitter. Criteria: LMM Criteria. Collection method: clinical testing. Allele origin: germline. Observed: 3 variant alleles. Not counted in ClinVar's aggregate classification.
Comment: c.1108+9_1108+21del in intron 10 of RAF1: This variant is not expected to have c linical significance because it does not alter an amino acid residue, is not loc ated within the splice consensus sequence, and splice prediction models do not s uggest an impact to splicing.

GeneDx
Classification: Benign for Rasopathy. Last evaluated: 2014-08-07. Review status: criteria provided, single submitter. Criteria: GeneDx Variant Classification (06012015). Collection method: clinical testing. Allele origin: germline. Affected: yes. Not counted in ClinVar's aggregate classification.
Comment: The variant is found in NOONAN panel(s).

PreventionGenetics, part of Exact Sciences
Classification: Benign for RAF1-related condition. Last evaluated: 2019-07-08. Review status: no assertion criteria provided. Collection method: clinical testing. Allele origin: germline. Not counted in ClinVar's aggregate classification.
Comment: This variant is classified as benign based on ACMG/AMP sequence variant interpretation guidelines (Richards et al. 2015 PMID: 25741868, with internal and published modifications).

NM_002880.4(RAF1):c.1108+9_1108+21del

Gene: RAF1 (Raf-1 proto-oncogene, serine/threonine kinase; minus strand). Cytogenetic location: 3p25.2.
Variant type: Deletion.
Coding change: c.1108+9_1108+21del on transcript NM_002880.4 (MANE Select); bases 9 to 21 of the intron after coding-DNA position 1108, 13 bases deleted (GGGGCCCTCCCTT).
Molecular consequence: intron variant.
Genome position (GRCh38, 1-based): chr3:12,599,670-12,599,682, AAGGGAGGGCCCC deleted on the plus strand (GGGGCCCTCCCTT on the coding strand, the reverse complement: RAF1 is on the minus strand); deleting any 13 consecutive bases within chr3:12,599,670-12,599,685 gives the same sequence; the c. name uses the placement nearest the transcript's 3' end. VCF-style (leftmost placement, unchanged base first): chr3-12599669-AAAGGGAGGGCCCC-A. GRCh37 (hg19) VCF-style: chr3-12641168-AAAGGGAGGGCCCC-A.
Other names: c.1108+9_1108+21delGGGGCCCTCCCTT (NM_002880.3); c.1108+9_1108+21del13 (NM_002880.3); c.766+9_766+21del (NM_001354695.3); c.865+9_865+21del (NM_001354692.3, NM_001354691.3); c.925+9_925+21del (NM_001354694.3); c.1009+9_1009+21del (NM_001354693.3); c.1168+9_1168+21del (NM_001354689.3); c.1108+9_1108+21del (NM_001354690.3).
Identifiers: ClinVar variation 178666 (VCV000178666.29), dbSNP rs727504451, ClinGen allele CA182757.